The following is an entry in ClinVar:

NM_001283009.2(RTEL1):c.1349-180C>T

Genes: RTEL1 (regulator of telomere elongation helicase 1; plus strand), RTEL1-TNFRSF6B (RTEL1-TNFRSF6B readthrough (NMD candidate); plus strand). Cytogenetic location: 20q13.33.
Variant type: single nucleotide variant.
Coding change: c.1349-180C>T on transcript NM_001283009.2 (MANE Select); 180 bases into the intron before coding-DNA position 1349, C replaced by T.
Molecular consequence: intron variant.
Genome position (GRCh38, 1-based): chr20:63,687,458, C>T. VCF-style: chr20-63687458-C-T. GRCh37 (hg19) VCF-style: chr20-62318811-C-T.
Other names: c.680-180C>T (NM_001283010.1); c.1421-180C>T (NM_032957.5); c.1349-180C>T (NM_016434.4).
Identifiers: ClinVar variation 5017421 (VCV005017421.1).

ClinVar aggregate classification (germline): Uncertain significance (1 of 4 stars; one submission).

gnomAD v4.1: 36 of 701,838 alleles (0.0051%); highest among the groups gnomAD compares: Admixed American, 0.027%; no homozygotes.

Submission:

GeneDx
Classification: Uncertain significance. Last evaluated: 2026-03-24. Review status: criteria provided, single submitter. Criteria: GeneDx Variant Classification Process June 2021. Collection method: clinical testing. Allele origin: germline.
Comment: Has not been previously published as pathogenic or benign to our knowledge; In silico analysis suggests this variant may impact gene splicing. In the absence of RNA/functional studies, the actual effect of this sequence change is unknown.